The following is an entry in ClinVar:

ClinVar aggregate classification (germline): Uncertain significance (1 of 4 stars; one submission).

Conditions:
Cardiovascular phenotype. Identifiers: MedGen CN230736.

Submission:

Ambry Genetics
Classification: Uncertain significance for Cardiovascular phenotype. Last evaluated: 2025-09-17. Review status: criteria provided, single submitter. Criteria: Ambry Variant Classification Scheme 2023. Collection method: clinical testing. Allele origin: germline.
Comment: The p.A2093S variant (also known as c.6277G>T), located in coding exon 17 of the TNXB gene, results from a G to T substitution at nucleotide position 6277. The alanine at codon 2093 is replaced by serine, an amino acid with similar properties. This amino acid position is conserved. In addition, this alteration is predicted to be tolerated by in silico analysis. Based on the available evidence, the clinical significance of this variant remains unclear.

NM_001365276.2(TNXB):c.6277G>T (p.Ala2093Ser)

Gene: TNXB (tenascin XB; minus strand). Cytogenetic location: 6p21.33.
Variant type: single nucleotide variant.
Coding change: c.6277G>T on transcript NM_001365276.2 (MANE Select); coding-DNA position 6277, G replaced by T.
Protein change: p.Ala2093Ser; replaces alanine 2093 with serine.
Molecular consequence: missense variant.
Genome position (GRCh38, 1-based): chr6:32,067,928, C>A on the plus strand (G>T on the coding strand, the complement: TNXB is on the minus strand). VCF-style: chr6-32067928-C-A. GRCh37 (hg19) VCF-style: chr6-32035705-C-A.
Other names: c.7018G>T, p.Ala2340Ser (NM_001428335.1); c.6277G>T, p.Ala2093Ser (NM_019105.8); short protein forms A2093S, A2340S.
Identifiers: ClinVar variation 4615135 (VCV004615135.1).